The following is an entry in ClinVar:

NM_000038.6(APC):c.6451dup (p.Thr2151fs)

Gene: APC (APC regulator of Wnt signaling pathway; plus strand). Cytogenetic location: 5q22.2.
Variant type: Duplication.
Coding change: c.6451dup on transcript NM_000038.6 (MANE Select); coding-DNA position 6451, one base duplicated (A; older notation c.6451dupA).
Protein change: p.Thr2151fs; shifts the reading frame from threonine 2151.
Molecular consequence: frameshift variant.
Genome position (GRCh38, 1-based): chr5:112,842,045, A duplicated. VCF-style (leftmost placement, unchanged base first): chr5-112842044-T-TA. GRCh37 (hg19) VCF-style: chr5-112177741-T-TA.
Other names: c.6148dup, p.Thr2050fs (NM_001354903.2); c.6073dup, p.Thr2025fs (NM_001354904.2); c.5971dup, p.Thr1991fs (NM_001354905.2); c.5602dup, p.Thr1868fs (NM_001354906.2); c.6535dup, p.Thr2179Asnfs (NM_001407446.1); c.6505dup, p.Thr2169Asnfs (NM_001407447.1, NM_001407448.1, NM_001407449.1); c.6451dup, p.Thr2151Asnfs (NM_001407450.1); c.6430dup, p.Thr2144Asnfs (NM_001407451.1); and 16 more; short protein forms T2025fs, T2050fs, T2110fs, T2123fs, T2133fs, T2161fs, T1868fs, T2060fs.
Identifiers: ClinVar variation 1753609 (VCV001753609.4), dbSNP rs2533715220, ClinGen allele CA2580072341.
Genomic context (GRCh38, chr5:112,842,044, plus strand): 5'-TGATTCAGATTCCATCCTTTCCCTGAAATCAGGAATCTCTCTGGGATCACCATTTCATCT[T>TA]ACACCTGATCAAGAAGAAAAACCCTTTACAAGTAATAAAGGCCCACGAATTCTAAAACCA-3'

ClinVar aggregate classification (germline): Pathogenic. Review status: criteria provided, multiple submitters, no conflicts (2 of 4 stars). 2 submissions from 2 submitters: Pathogenic (2). Last evaluated 2023-05-15.

Conditions:
Hereditary cancer-predisposing syndrome. Also called: Neoplastic Syndromes, Hereditary; Tumor predisposition; Hereditary Cancer Syndrome; Hereditary neoplastic syndrome. Identifiers: Orphanet 140162, MedGen C0027672, MeSH D009386, MONDO:0015356.
Familial adenomatous polyposis 1 (FAP1). Also called: FAMILIAL ADENOMATOUS POLYPOSIS 1, ATTENUATED; POLYPOSIS, ADENOMATOUS INTESTINAL. Identifiers: MedGen C2713442, MONDO:0021056, OMIM 175100. Disease mechanism: loss of function.

Allele frequency attached by ClinVar (database versions not stated): gnomAD exomes below 0.00001.

Submissions (2):

Myriad Genetics, Inc.
Classification: Pathogenic for Familial adenomatous polyposis 1. Last evaluated: 2023-05-15. Review status: criteria provided, single submitter. Criteria: Myriad Autosomal Dominant, Autosomal Recessive and X-Linked Classification Criteria (2023). Collection method: clinical testing. Allele origin: unknown.
Comment: This variant is considered pathogenic. This variant creates a frameshift predicted to result in premature protein truncation.

Ambry Genetics
Classification: Pathogenic for Hereditary cancer-predisposing syndrome. Last evaluated: 2021-10-08. Review status: criteria provided, single submitter. Criteria: Ambry Variant Classification Scheme 2023. Collection method: clinical testing. Allele origin: germline.
Comment: The c.6451dupA pathogenic mutation, located in coding exon 15 of the APC gene, results from a duplication of A at nucleotide position 6451, causing a translational frameshift with a predicted alternate stop codon (p.T2151Nfs*3). This alteration occurs at the 3' terminus of theAPC gene, is not expected to trigger nonsense-mediated mRNA decay, and only impacts the last 693 amino acids of the protein. However, premature stop codons are typically deleterious in nature and the impacted region is critical for protein function (Ambry internal data). This variant is considered to be rare based on population cohorts in the Genome Aggregation Database (gnomAD). Based on the supporting evidence, this alteration is interpreted as a disease-causing mutation.